The following is an entry in ClinVar:

ClinVar aggregate classification (germline): Uncertain significance. Review status: criteria provided, multiple submitters, no conflicts (2 of 4 stars). 2 submissions from 2 submitters: Uncertain significance (2). Last evaluated 2026-04-14.

Conditions:
Sotos syndrome (SOTOS). Also called: Sotos' syndrome; CHROMOSOME 5q35 DELETION SYNDROME; SOTOS SYNDROME 1; Distinctive facial appearance, overgrowth in childhood, and learning disabilities or delayed development; CEREBRAL GIGANTISM. Identifiers: Orphanet 821, MedGen C0175695, MONDO:0019349, OMIM 117550.

Allele frequency attached by ClinVar (database versions not stated): gnomAD exomes 0.00001.
gnomAD v4.1: 3 of 1,614,094 alleles (0.00019%); highest among the groups gnomAD compares: African/African-American, 0.0013%; no homozygotes.

Submissions (2):

Women's Health and Genetics/Laboratory Corporation of America, LabCorp
Classification: Uncertain significance. Last evaluated: 2026-04-14. Review status: criteria provided, single submitter. Criteria: LabCorp Variant Classification Summary - May 2015. Collection method: clinical testing. Allele origin: germline.
Comment: Variant summary: NSD1 c.3404C>T (p.Pro1135Leu) results in a non-conservative amino acid change in the encoded protein sequence. Algorithms developed to predict the effect of missense changes on protein structure and function are either unavailable or do not agree on the potential impact of this missense change. The variant allele was found at a frequency of 1.2e-05 in 251342 control chromosomes. The available data on variant occurrences in the general population are insufficient to allow any conclusion about variant significance. To our knowledge, no occurrence of c.3404C>T in individuals affected with NSD1-related conditions and no experimental evidence demonstrating its impact on protein function have been reported. ClinVar contains an entry for this variant (Variation ID: 998324). Based on the evidence outlined above, the variant was classified as uncertain significance.

Baylor Genetics
Classification: Uncertain significance for Sotos syndrome. Last evaluated: 2020-11-23. Review status: criteria provided, single submitter. Criteria: ACMG Guidelines, 2015. Collection method: clinical testing. Allele origin: maternal. Affected: yes. Study: CSER-TexasKidsCanSeq.
Comment: This variant was determined to be of uncertain significance according to ACMG Guidelines, 2015 [PMID:25741868].

NM_022455.5(NSD1):c.3404C>T (p.Pro1135Leu)

Gene: NSD1 (nuclear receptor binding SET domain protein 1; plus strand). Cytogenetic location: 5q35.3.
Variant type: single nucleotide variant.
Coding change: c.3404C>T on transcript NM_022455.5 (MANE Select); coding-DNA position 3404, C replaced by T.
Protein change: p.Pro1135Leu; replaces proline 1135 with leucine.
Molecular consequence: missense variant.
Genome position (GRCh38, 1-based): chr5:177,211,803, C>T. VCF-style: chr5-177211803-C-T. GRCh37 (hg19) VCF-style: chr5-176638804-C-T.
Other names: c.2531C>T, p.Pro844Leu (NM_001365684.2, NM_001409306.1, NM_001409307.1 and 3 more transcripts); c.3404C>T, p.Pro1135Leu (NM_001409301.1, NM_001409302.1, NM_001409303.1); c.2984C>T, p.Pro995Leu (NM_001409304.1); c.2651C>T, p.Pro884Leu (NM_001409305.1); short protein forms P1135L, P866L, P844L, P995L, P884L.
Identifiers: ClinVar variation 998324 (VCV000998324.3), dbSNP rs1021852466, ClinGen allele CA132831436.